The following is an entry in ClinVar:

ClinVar aggregate classification (germline): Uncertain significance. Review status: criteria provided, multiple submitters, no conflicts (2 of 4 stars). 3 submissions from 3 submitters: Uncertain significance (3). Last evaluated 2025-01-22.

Conditions:
Combined oxidative phosphorylation defect type 27. Also called: Combined oxidative phosphorylation deficiency 27. Identifiers: Orphanet 477774, MedGen C5567608, MONDO:0014728, OMIM 616672.
Inborn genetic diseases. Identifiers: MedGen C0950123, MeSH D030342.

Allele frequency attached by ClinVar (database versions not stated): gnomAD 0.00001 and 0.00002; gnomAD exomes 0.00001; ExAC 0.00002; TOPMed 0.00003.

Submissions (3):

Ambry Genetics
Classification: Uncertain significance for Inborn genetic diseases. Last evaluated: 2025-01-22. Review status: criteria provided, single submitter. Criteria: Ambry Variant Classification Scheme 2023. Collection method: clinical testing. Allele origin: germline.

Labcorp Genetics (formerly Invitae), Labcorp
Classification: Uncertain significance for Combined oxidative phosphorylation defect type 27. Last evaluated: 2023-09-13. Review status: criteria provided, single submitter. Criteria: Invitae Variant Classification Sherloc (09022015). Collection method: clinical testing. Allele origin: germline.
Comment: This sequence change replaces glycine, which is neutral and non-polar, with aspartic acid, which is acidic and polar, at codon 371 of the CARS2 protein (p.Gly371Asp). This variant is present in population databases (rs765515018, gnomAD 0.006%). This variant has not been reported in the literature in individuals affected with CARS2-related conditions. ClinVar contains an entry for this variant (Variation ID: 850427). Advanced modeling of protein sequence and biophysical properties (such as structural, functional, and spatial information, amino acid conservation, physicochemical variation, residue mobility, and thermodynamic stability) performed at Invitae indicates that this missense variant is not expected to disrupt CARS2 protein function. In summary, the available evidence is currently insufficient to determine the role of this variant in disease. Therefore, it has been classified as a Variant of Uncertain Significance.

GeneDx
Classification: Uncertain significance. Last evaluated: 2023-03-28. Review status: criteria provided, single submitter. Criteria: GeneDx Variant Classification Process June 2021. Collection method: clinical testing. Allele origin: germline. Affected: yes.
Comment: Not observed at significant frequency in large population cohorts (gnomAD); In silico analysis supports that this missense variant does not alter protein structure/function; Has not been previously published as pathogenic or benign to our knowledge

NM_024537.4(CARS2):c.1112G>A (p.Gly371Asp)

Gene: CARS2 (cysteinyl-tRNA synthetase 2, mitochondrial; minus strand). Cytogenetic location: 13q34.
Variant type: single nucleotide variant.
Coding change: c.1112G>A on transcript NM_024537.4 (MANE Select); coding-DNA position 1112, G replaced by A.
Protein change: p.Gly371Asp; replaces glycine 371 with aspartic acid.
Molecular consequence: missense variant. On other transcripts: non-coding transcript variant (2).
Genome position (GRCh38, 1-based): chr13:110,647,182, C>T on the plus strand (G>A on the coding strand, the complement: CARS2 is on the minus strand). VCF-style: chr13-110647182-C-T. GRCh37 (hg19) VCF-style: chr13-111299529-C-T.
Other names: c.326G>A, p.Gly109Asp (NM_001352252.2); c.1112G>A (NM_024537.2); short protein forms G371D, G109D.
Identifiers: ClinVar variation 850427 (VCV000850427.9), dbSNP rs765515018, ClinGen allele CA7051908.